The following is an entry in ClinVar:

NM_004655.4(AXIN2):c.2509G>A (p.Gly837Ser)

Gene: AXIN2 (axin 2; minus strand). Cytogenetic location: 17q24.1.
Variant type: single nucleotide variant.
Coding change: c.2509G>A on transcript NM_004655.4 (MANE Select); coding-DNA position 2509, G replaced by A.
Protein change: p.Gly837Ser; replaces glycine 837 with serine.
Molecular consequence: missense variant.
Genome position (GRCh38, 1-based): chr17:65,529,999, C>T on the plus strand (G>A on the coding strand, the complement: AXIN2 is on the minus strand). VCF-style: chr17-65529999-C-T. GRCh37 (hg19) VCF-style: chr17-63526117-C-T.
Other names: c.2314G>A, p.Gly772Ser (NM_001363813.1); short protein forms G772S, G837S.
Identifiers: ClinVar variation 956936 (VCV000956936.13), dbSNP rs2043789783, ClinGen allele CA400674758.

ClinVar aggregate classification (germline): Uncertain significance. Review status: criteria provided, multiple submitters, no conflicts (2 of 4 stars). 2 submissions from 2 submitters: Uncertain significance (2). Last evaluated 2025-10-09.

Conditions:
Hereditary cancer-predisposing syndrome. Also called: Hereditary neoplastic syndrome; Tumor predisposition; Neoplastic Syndromes, Hereditary; Hereditary Cancer Syndrome. Identifiers: Orphanet 140162, MedGen C0027672, MeSH D009386, MONDO:0015356.
Oligodontia-cancer predisposition syndrome. Also called: TOOTH AGENESIS-COLORECTAL CANCER SYNDROME. Identifiers: Orphanet 300576, MedGen C1837750, MONDO:0012075, OMIM 608615. Disease mechanism: loss of function.

gnomAD v4.1: 2 of 1,614,208 alleles (0.00012%); highest among the groups gnomAD compares: Non-Finnish European, 0.00017%; no homozygotes.

Submissions (2):

Labcorp Genetics (formerly Invitae), Labcorp
Classification: Uncertain significance for Oligodontia-cancer predisposition syndrome. Last evaluated: 2025-10-09. Review status: criteria provided, single submitter. Criteria: Invitae Variant Classification Sherloc (09022015). Collection method: clinical testing. Allele origin: germline.
Comment: This sequence change replaces glycine, which is neutral and non-polar, with serine, which is neutral and polar, at codon 837 of the AXIN2 protein (p.Gly837Ser). This variant is not present in population databases (gnomAD no frequency). This variant has not been reported in the literature in individuals affected with AXIN2-related conditions. ClinVar contains an entry for this variant (Variation ID: 956936). Invitae Evidence Modeling of protein sequence and biophysical properties (such as structural, functional, and spatial information, amino acid conservation, physicochemical variation, residue mobility, and thermodynamic stability) indicates that this missense variant is expected to disrupt AXIN2 protein function with a positive predictive value of 80%. In summary, the available evidence is currently insufficient to determine the role of this variant in disease. Therefore, it has been classified as a Variant of Uncertain Significance.

Ambry Genetics
Classification: Uncertain significance for Hereditary cancer-predisposing syndrome. Last evaluated: 2025-03-05. Review status: criteria provided, single submitter. Criteria: Ambry Variant Classification Scheme 2023. Collection method: clinical testing. Allele origin: germline.
Comment: The p.G837S variant (also known as c.2509G>A), located in coding exon 10 of the AXIN2 gene, results from a G to A substitution at nucleotide position 2509. The glycine at codon 837 is replaced by serine, an amino acid with similar properties. This amino acid position is conserved. In addition, the in silico prediction for this alteration is inconclusive. Since supporting evidence is limited at this time, the clinical significance of this alteration remains unclear.